The following is an entry in ClinVar:

NM_012200.4(B3GAT3):c.65A>G (p.Tyr22Cys)

Gene: B3GAT3 (beta-1,3-glucuronyltransferase 3; minus strand). Cytogenetic location: 11q12.3.
Variant type: single nucleotide variant.
Coding change: c.65A>G on transcript NM_012200.4 (MANE Select); coding-DNA position 65, A replaced by G.
Protein change: p.Tyr22Cys; replaces tyrosine 22 with cysteine.
Molecular consequence: missense variant. On other transcripts: 5 prime UTR variant (1), non-coding transcript variant (1).
Genome position (GRCh38, 1-based): chr11:62,621,883, T>C on the plus strand (A>G on the coding strand, the complement: B3GAT3 is on the minus strand). VCF-style: chr11-62621883-T-C. GRCh37 (hg19) VCF-style: chr11-62389355-T-C.
Other names: c.-196A>G (NM_001288721.2); c.65A>G, p.Tyr22Cys (NM_001288722.2, NM_001288723.2); short protein forms Y22C.
Identifiers: ClinVar variation 1526138 (VCV001526138.6), dbSNP rs2134439341, ClinGen allele CA380981798.

ClinVar aggregate classification (germline): Uncertain significance. Review status: criteria provided, multiple submitters, no conflicts (2 of 4 stars). 2 submissions from 2 submitters: Uncertain significance (2). Last evaluated 2026-01-12.

Conditions:
Larsen-like syndrome, B3GAT3 type. Also called: Multiple joint dislocations, short stature, craniofacial dysmorphism, with or without congenital heart defects; MULTIPLE JOINT DISLOCATIONS, SHORT STATURE, AND CRANIOFACIAL DYSMORPHISM WITH OR WITHOUT CONGENITAL HEART DEFECTS. Identifiers: Orphanet 284139, MedGen CN034159, MONDO:0009511, OMIM 245600.

Allele frequency attached by ClinVar (database versions not stated): gnomAD exomes below 0.00001.
gnomAD v4.1: 4 of 1,611,846 alleles (0.00025%); highest among the groups gnomAD compares: Non-Finnish European, 0.00034%; no homozygotes.

Submissions (2):

Labcorp Genetics (formerly Invitae), Labcorp
Classification: Uncertain significance for Larsen-like syndrome, B3GAT3 type. Last evaluated: 2026-01-12. Review status: criteria provided, single submitter. Criteria: Invitae Variant Classification Sherloc (09022015). Collection method: clinical testing. Allele origin: germline.
Comment: This sequence change replaces tyrosine, which is neutral and polar, with cysteine, which is neutral and slightly polar, at codon 22 of the B3GAT3 protein (p.Tyr22Cys). This variant is not present in population databases (gnomAD no frequency). This missense change has been observed in individual(s) with chondrodysplasia with multiple dislocations (PMID: 28229453). ClinVar contains an entry for this variant (Variation ID: 1526138). An algorithm developed to predict the effect of missense changes on protein structure and function (PolyPhen-2) suggests that this variant is likely to be disruptive. In summary, the available evidence is currently insufficient to determine the role of this variant in disease. Therefore, it has been classified as a Variant of Uncertain Significance.

3billion
Classification: Uncertain significance for Larsen-like syndrome, B3GAT3 type. Last evaluated: 2022-03-22. Review status: criteria provided, single submitter. Criteria: ACMG Guidelines, 2015. Collection method: clinical testing. Allele origin: germline. Affected: yes. Observed: 1 homozygote.
Comment: Same nucleotide change resulting in same amino acid change has been previously reported to be associated with BG3GAT3 related disorder (PMID:28229453). The variant has been reported to be in trans with a pathogenic variant as homozygous in at least one similarly affected unrelated individual(PMID: 28229453). A missense variant is a common mechanism. It is not observed in the gnomAD v2.1.1 dataset. Therefore, this variant is classified as uncertain significance according to the recommendation of ACMG/AMP guideline.

Literature cited by the submitters: PubMed 28229453 (cited by Labcorp Genetics (formerly Invitae), Labcorp and 3billion).